The following is an entry in ClinVar:

NM_152989.5(SOX5):c.-1-54837T>C

Gene: SOX5 (SRY-box transcription factor 5; minus strand). Cytogenetic location: 12p12.1.
Variant type: single nucleotide variant.
Coding change: c.-1-54837T>C on transcript NM_152989.5; 54837 bases into the intron before 1 bases upstream of the start codon, T replaced by C.
Molecular consequence: intron variant.
Genome position (GRCh38, 1-based): chr12:23,950,861, A>G on the plus strand (T>C on the coding strand, the complement: SOX5 is on the minus strand). VCF-style: chr12-23950861-A-G. GRCh37 (hg19) VCF-style: chr12-24103795-A-G.
Other names: c.-1-54837T>C (NM_001261414.3); c.8+8T>C (NM_001261415.3).
Identifiers: ClinVar variation 2570822 (VCV002570822.25), dbSNP rs149789122, ClinGen allele CA6484493.

ClinVar aggregate classification (germline): Likely benign. Review status: criteria provided, multiple submitters, no conflicts (2 of 4 stars). 2 submissions from 2 submitters: Likely benign (2). Last evaluated 2026-04-01.

Allele frequency attached by ClinVar (database versions not stated): 1000 Genomes Project 0.00120; gnomAD 0.00232; gnomAD exomes 0.00180; ExAC 0.00083; TOPMed 0.00116; 1000 Genomes Project 30x 0.00094.
gnomAD v4.1: 2,804 of 1,535,110 alleles (0.18%); highest among the groups gnomAD compares: Non-Finnish European, 0.2%; 10 homozygotes.

Submissions (2):

CeGaT Center for Human Genetics Tuebingen
Classification: Likely benign. Last evaluated: 2026-04-01. Review status: criteria provided, single submitter. Criteria: CeGaT Center For Human Genetics Tuebingen Variant Classification Criteria Version 2. Collection method: clinical testing. Allele origin: germline. Affected: yes. Observed: 14 variant alleles.
Comment: SOX5: BP4, BS1

Blueprint Genetics
Classification: Likely benign. Last evaluated: 2024-11-23. Review status: criteria provided, single submitter. Criteria: ACMG Guidelines, 2015. Collection method: clinical testing. Allele origin: germline.